The following is an entry in ClinVar:

NM_198060.4(NRAP):c.639G>T (p.Leu213=)

Gene: NRAP (nebulin related anchoring protein; minus strand). Cytogenetic location: 10q25.3.
Variant type: single nucleotide variant.
Coding change: c.639G>T on transcript NM_198060.4 (MANE Select); coding-DNA position 639, G replaced by T.
Protein change: p.Leu213=; no amino-acid change (leucine 213 retained).
Molecular consequence: synonymous variant.
Genome position (GRCh38, 1-based): chr10:113,651,839, C>A on the plus strand (G>T on the coding strand, the complement: NRAP is on the minus strand). VCF-style: chr10-113651839-C-A. GRCh37 (hg19) VCF-style: chr10-115411598-C-A.
Other names: c.639G>T, p.Leu213= (NM_001261463.2, NM_001322945.2, NM_006175.5).
Identifiers: ClinVar variation 1259526 (VCV001259526.6), dbSNP rs4918861, ClinGen allele CA5695852.

ClinVar aggregate classification (germline): Benign. Review status: criteria provided, multiple submitters, no conflicts (2 of 4 stars). 4 submissions from 4 submitters: Benign (3). 1 of the submissions does not count toward it. Last evaluated 2025-04-09.

Conditions:
NRAP-related disorder. Also called: NRAP-related condition.

Allele frequency attached by ClinVar (database versions not stated): gnomAD exomes 0.26197 and 0.26274; 1000 Genomes Project 0.26458; ExAC 0.26585; 1000 Genomes Project 30x 0.26686; TOPMed 0.28612; gnomAD 0.28676 and 0.29034; ESP Exome Variant Server 0.29986.

Submissions (4):

Molecular Diagnostic Laboratory for Inherited Cardiovascular Disease, Montreal Heart Institute
Classification: Benign. Last evaluated: 2025-04-09. Review status: criteria provided, single submitter. Criteria: ACMG Guidelines, 2015. Collection method: clinical testing. Allele origin: germline. Affected: no.

GeneDx
Classification: Benign. Last evaluated: 2021-05-04. Review status: criteria provided, single submitter. Criteria: GeneDx Variant Classification Process June 2021. Collection method: clinical testing. Allele origin: germline. Affected: yes.

Breakthrough Genomics
Classification: Benign. Review status: criteria provided, single submitter. Criteria: ACMG Guidelines, 2015. Collection method: not provided. Allele origin: germline. Inheritance: Unknown mechanism. Affected: yes.

PreventionGenetics, part of Exact Sciences
Classification: Benign for NRAP-related condition. Last evaluated: 2019-10-22. Review status: no assertion criteria provided. Collection method: clinical testing. Allele origin: germline. Not counted in ClinVar's aggregate classification.
Comment: This variant is classified as benign based on ACMG/AMP sequence variant interpretation guidelines (Richards et al. 2015 PMID: 25741868, with internal and published modifications).